The following is an entry in ClinVar:

ClinVar aggregate classification (germline): Likely benign. Review status: criteria provided, single submitter (1 of 4 stars). 2 submissions from 2 submitters: Likely benign (1). 1 of the submissions does not count toward it. Last evaluated 2024-10-31.

Conditions:
PRPF8-related disorder. Also called: PRPF8-related condition.

Allele frequency attached by ClinVar (database versions not stated): gnomAD exomes below 0.00001 and 0.00002; gnomAD 0.00001; TOPMed 0.00002.

Submissions (2):

Labcorp Genetics (formerly Invitae), Labcorp
Classification: Likely benign. Last evaluated: 2024-10-31. Review status: criteria provided, single submitter. Criteria: Invitae Variant Classification Sherloc (09022015). Collection method: clinical testing. Allele origin: germline.

PreventionGenetics, part of Exact Sciences
Classification: Likely benign for PRPF8-related condition. Last evaluated: 2019-07-25. Review status: no assertion criteria provided. Collection method: clinical testing. Allele origin: germline. Not counted in ClinVar's aggregate classification.
Comment: This variant is classified as likely benign based on ACMG/AMP sequence variant interpretation guidelines (Richards et al. 2015 PMID: 25741868, with internal and published modifications).

NM_006445.4(PRPF8):c.2142T>C (p.Ser714=)

Gene: PRPF8 (pre-mRNA processing factor 8; minus strand). Cytogenetic location: 17p13.3.
Variant type: single nucleotide variant.
Coding change: c.2142T>C on transcript NM_006445.4 (MANE Select); coding-DNA position 2142, T replaced by C.
Protein change: p.Ser714=; no amino-acid change (serine 714 retained).
Molecular consequence: synonymous variant.
Genome position (GRCh38, 1-based): chr17:1,677,015, A>G on the plus strand (T>C on the coding strand, the complement: PRPF8 is on the minus strand). VCF-style: chr17-1677015-A-G. GRCh37 (hg19) VCF-style: chr17-1580309-A-G.
Other names: c.2142T>C (NM_006445.3).
Identifiers: ClinVar variation 1155799 (VCV001155799.9), dbSNP rs1310835135, ClinGen allele CA497389934.